The following is an entry in ClinVar:

NM_005338.7(HIP1):c.1530A>G (p.Lys510=)

Gene: HIP1 (huntingtin interacting protein 1; minus strand). Cytogenetic location: 7q11.23.
Variant type: single nucleotide variant.
Coding change: c.1530A>G on transcript NM_005338.7 (MANE Select); coding-DNA position 1530, A replaced by G.
Protein change: p.Lys510=; no amino-acid change (lysine 510 retained).
Molecular consequence: synonymous variant.
Genome position (GRCh38, 1-based): chr7:75,557,705, T>C on the plus strand (A>G on the coding strand, the complement: HIP1 is on the minus strand). VCF-style: chr7-75557705-T-C. GRCh37 (hg19) VCF-style: chr7-75187009-T-C.
Other names: c.1530A>G, p.Lys510= (NM_001243198.3).
Identifiers: ClinVar variation 769719 (VCV000769719.8), dbSNP rs144294774, ClinGen allele CA4302275.

ClinVar aggregate classification (germline): Benign/Likely benign. Review status: criteria provided, multiple submitters, no conflicts (2 of 4 stars). 4 submissions from 4 submitters: Benign (2); Likely benign (1). 1 of the submissions does not count toward it. Last evaluated 2024-11-26.

Conditions:
HIP1-related disorder. Also called: HIP1-related condition.

Allele frequency attached by ClinVar (database versions not stated): gnomAD 0.00384 and 0.00356; TOPMed 0.00419; ESP Exome Variant Server 0.00423; gnomAD exomes 0.00103; ExAC 0.00118; 1000 Genomes Project 30x 0.00250; 1000 Genomes Project 0.00260.
gnomAD v4.1: 1,127 of 1,614,174 alleles (0.07%); highest among the groups gnomAD compares: African/African-American, 1.2%; 7 homozygotes.

Submissions (4):

Blueprint Genetics
Classification: Likely benign. Last evaluated: 2024-11-26. Review status: criteria provided, single submitter. Criteria: ACMG Guidelines, 2015. Collection method: clinical testing. Allele origin: germline.

Labcorp Genetics (formerly Invitae), Labcorp
Classification: Benign. Last evaluated: 2019-12-31. Review status: criteria provided, single submitter. Criteria: Invitae Variant Classification Sherloc (09022015). Collection method: clinical testing. Allele origin: germline.

Breakthrough Genomics
Classification: Benign. Review status: criteria provided, single submitter. Criteria: ACMG Guidelines, 2015. Collection method: not provided. Allele origin: germline. Inheritance: Unknown mechanism. Affected: yes.

PreventionGenetics, part of Exact Sciences
Classification: Likely benign for HIP1-related condition. Last evaluated: 2019-02-20. Review status: no assertion criteria provided. Collection method: clinical testing. Allele origin: germline. Not counted in ClinVar's aggregate classification.
Comment: This variant is classified as likely benign based on ACMG/AMP sequence variant interpretation guidelines (Richards et al. 2015 PMID: 25741868, with internal and published modifications).